The following is an entry in ClinVar:

ClinVar aggregate classification (germline): Pathogenic. Review status: criteria provided, multiple submitters, no conflicts (2 of 4 stars). 4 submissions from 4 submitters: Pathogenic (4). Last evaluated 2023-11-04.

Conditions:
Retinitis pigmentosa 39 (RP39). Identifiers: Orphanet 791, MedGen C3151138, MONDO:0013436, OMIM 613809.

Submissions (4):

Genome-Nilou Lab
Classification: Pathogenic for Retinitis pigmentosa 39. Last evaluated: 2023-11-04. Review status: criteria provided, single submitter. Criteria: ACMG Guidelines, 2015. Collection method: clinical testing. Allele origin: germline. Affected: no.

Baylor Genetics
Classification: Pathogenic for Retinitis pigmentosa 39. Last evaluated: 2023-10-27. Review status: criteria provided, single submitter. Criteria: ACMG Guidelines, 2015. Collection method: clinical testing. Allele origin: unknown.

Labcorp Genetics (formerly Invitae), Labcorp
Classification: Pathogenic. Last evaluated: 2022-07-09. Review status: criteria provided, single submitter. Criteria: Invitae Variant Classification Sherloc (09022015). Collection method: clinical testing. Allele origin: germline.
Comment: For these reasons, this variant has been classified as Pathogenic. ClinVar contains an entry for this variant (Variation ID: 1213934). This premature translational stop signal has been observed in individual(s) with clinical features of USH2A-related conditions (PMID: 33105617). This variant is not present in population databases (gnomAD no frequency). This sequence change creates a premature translational stop signal (p.Gly679*) in the USH2A gene. It is expected to result in an absent or disrupted protein product. Loss-of-function variants in USH2A are known to be pathogenic (PMID: 10729113, 10909849, 20507924, 25649381).

DBGen Ocular Genomics
Classification: Pathogenic for Retinitis pigmentosa 39. Last evaluated: 2021-06-23. Review status: criteria provided, single submitter. Criteria: ACMG Guidelines, 2015. Collection method: clinical testing. Allele origin: germline. Affected: yes. Observed: 1 variant allele.

Literature cited by the submitters: PubMed 33105617 (cited by Labcorp Genetics (formerly Invitae), Labcorp); PubMed 10729113 (cited by Labcorp Genetics (formerly Invitae), Labcorp); PubMed 10909849 (cited by Labcorp Genetics (formerly Invitae), Labcorp); PubMed 20507924 (cited by Labcorp Genetics (formerly Invitae), Labcorp); PubMed 25649381 (cited by Labcorp Genetics (formerly Invitae), Labcorp).

NM_206933.4(USH2A):c.2035G>T (p.Gly679Ter)

Gene: USH2A (usherin; minus strand). Cytogenetic location: 1q41.
Variant type: single nucleotide variant.
Coding change: c.2035G>T on transcript NM_206933.4 (MANE Select); coding-DNA position 2035, G replaced by T.
Protein change: p.Gly679Ter; replaces glycine 679 with a stop codon.
Molecular consequence: nonsense.
Genome position (GRCh38, 1-based): chr1:216,251,035, C>A on the plus strand (G>T on the coding strand, the complement: USH2A is on the minus strand). VCF-style: chr1-216251035-C-A. GRCh37 (hg19) VCF-style: chr1-216424377-C-A.
Other names: c.2035G>T, p.Gly679Ter (NM_007123.6); short protein forms G679*.
Identifiers: ClinVar variation 1213934 (VCV001213934.9), dbSNP rs367693972, ClinGen allele CA344866590.
Genomic context (GRCh38, chr1:216,251,035, plus strand): 5'-AGGTATTGCAGTTACAGGGACTGCAGCCATCAGGATCCAACTCTTGTAGATTGTAGAATC[C>A]ATTCTGGCACTGATTGCACTGCCTGCCAGACACGTGTCTCTTACAATTACACTGTCCTCC-3'